The following is an entry in ClinVar:

NM_001110556.2(FLNA):c.3502C>T (p.Pro1168Ser)

Gene: FLNA (filamin A; minus strand). Cytogenetic location: Xq28.
Variant type: single nucleotide variant.
Coding change: c.3502C>T on transcript NM_001110556.2 (MANE Select); coding-DNA position 3502, C replaced by T.
Protein change: p.Pro1168Ser; replaces proline 1168 with serine.
Molecular consequence: missense variant.
Genome position (GRCh38, 1-based): chrX:154,360,293, G>A on the plus strand (C>T on the coding strand, the complement: FLNA is on the minus strand). VCF-style: chrX-154360293-G-A. GRCh37 (hg19) VCF-style: chrX-153588661-G-A.
Other names: c.3502C>T, p.Pro1168Ser (NM_001456.4); short protein forms P1168S.
Identifiers: ClinVar variation 1303349 (VCV001303349.6), dbSNP rs2067695264, ClinGen allele CA415226875.

ClinVar aggregate classification (germline): Uncertain significance. Review status: criteria provided, multiple submitters, no conflicts (2 of 4 stars). 2 submissions from 2 submitters: Uncertain significance (2). Last evaluated 2024-05-15.

Conditions:
Melnick-Needles syndrome (MNS). Also called: MELNICK-NEEDLES OSTEODYSPLASTY; OSTEODYSPLASTY OF MELNICK AND NEEDLES; Melnick-Needles Syndrome (FLNA-MNS). Identifiers: Orphanet 2484, MedGen C0025237, MONDO:0010650, OMIM 309350.
Frontometaphyseal dysplasia (FMD1). Identifiers: MONDO:0015942, Orphanet 1826, MedGen C0265293.
Oto-palato-digital syndrome, type II (OPD2). Also called: Otopalatodigital Syndrome, Type II; FACIOPALATOOSSEOUS SYNDROME; OPD II SYNDROME; Otopalatodigital Syndrome Type 2 (FLNA-OPD2). Identifiers: Orphanet 669, Orphanet 90652, MedGen C1844696, MONDO:0010571, OMIM 304120.
Heterotopia, periventricular, X-linked dominant (PVNH1). Also called: X-linked periventricular heterotopia; PERIVENTRICULAR NODULAR HETEROTOPIA 4; HETEROTOPIA, PERIVENTRICULAR, 1; PERIVENTRICULAR NODULAR HETEROTOPIA 1. Identifiers: Orphanet 2149, Orphanet 82004, MedGen C1848213, MONDO:0010233, OMIM 300049.

Allele frequency attached by ClinVar (database versions not stated): TOPMed below 0.00001.

Submissions (2):

Labcorp Genetics (formerly Invitae), Labcorp
Classification: Uncertain significance for Oto-palato-digital syndrome, type II; Heterotopia, periventricular, X-linked dominant; Frontometaphyseal dysplasia; Melnick-Needles syndrome. Last evaluated: 2024-05-15. Review status: criteria provided, single submitter. Criteria: Invitae Variant Classification Sherloc (09022015). Collection method: clinical testing. Allele origin: germline.
Comment: This sequence change replaces proline, which is neutral and non-polar, with serine, which is neutral and polar, at codon 1168 of the FLNA protein (p.Pro1168Ser). This variant is not present in population databases (gnomAD no frequency). This variant has not been reported in the literature in individuals affected with FLNA-related conditions. ClinVar contains an entry for this variant (Variation ID: 1303349). Advanced modeling of protein sequence and biophysical properties (such as structural, functional, and spatial information, amino acid conservation, physicochemical variation, residue mobility, and thermodynamic stability) performed at Invitae indicates that this missense variant is not expected to disrupt FLNA protein function with a negative predictive value of 95%. In summary, the available evidence is currently insufficient to determine the role of this variant in disease. Therefore, it has been classified as a Variant of Uncertain Significance.

GeneDx
Classification: Uncertain significance. Last evaluated: 2023-07-31. Review status: criteria provided, single submitter. Criteria: GeneDx Variant Classification Process June 2021. Collection method: clinical testing. Allele origin: germline. Affected: yes.
Comment: Not observed at significant frequency in large population cohorts (gnomAD); In silico analysis supports that this missense variant has a deleterious effect on protein structure/function; Has not been previously published as pathogenic or benign to our knowledge